The following is an entry in ClinVar:

ClinVar aggregate classification (germline): Uncertain significance. Review status: criteria provided, multiple submitters, no conflicts (2 of 4 stars). 3 submissions from 3 submitters: Uncertain significance (3). Last evaluated 2024-09-26.

Allele frequency attached by ClinVar (database versions not stated): gnomAD exomes 0.00001 and 0.00002; ExAC 0.00004; gnomAD 0.00013 and 0.00014; ESP Exome Variant Server 0.00015; TOPMed 0.00016.
gnomAD v4.1: 38 of 1,614,058 alleles (0.0024%); highest among the groups gnomAD compares: African/African-American, 0.049%; no homozygotes.

Submissions (3):

Ambry Genetics
Classification: Uncertain significance. Last evaluated: 2024-09-26. Review status: criteria provided, single submitter. Criteria: Ambry Variant Classification Scheme 2023. Collection method: clinical testing. Allele origin: germline.

Labcorp Genetics (formerly Invitae), Labcorp
Classification: Uncertain significance. Last evaluated: 2022-12-02. Review status: criteria provided, single submitter. Criteria: Invitae Variant Classification Sherloc (09022015). Collection method: clinical testing. Allele origin: germline.
Comment: Algorithms developed to predict the effect of missense changes on protein structure and function are either unavailable or do not agree on the potential impact of this missense change (SIFT: "Not Available"; PolyPhen-2: "Benign"; Align-GVGD: "Not Available"). ClinVar contains an entry for this variant (Variation ID: 1426872). This variant has not been reported in the literature in individuals affected with CEP250-related conditions. This variant is present in population databases (rs149721292, gnomAD 0.05%). This sequence change replaces valine, which is neutral and non-polar, with isoleucine, which is neutral and non-polar, at codon 351 of the CEP250 protein (p.Val351Ile). In summary, the available evidence is currently insufficient to determine the role of this variant in disease. Therefore, it has been classified as a Variant of Uncertain Significance.

Blueprint Genetics
Classification: Uncertain significance. Last evaluated: 2021-12-21. Review status: criteria provided, single submitter. Criteria: ACMG Guidelines, 2015. Collection method: clinical testing. Allele origin: germline.

NM_007186.6(CEP250):c.1051G>A (p.Val351Ile)

Genes: CEP250 (centrosomal protein 250; plus strand), CEP250-AS1 (CEP250 antisense RNA 1; minus strand). Cytogenetic location: 20q11.22.
Variant type: single nucleotide variant.
Coding change: c.1051G>A on transcript NM_007186.6 (MANE Select); coding-DNA position 1051, G replaced by A.
Protein change: p.Val351Ile; replaces valine 351 with isoleucine.
Molecular consequence: missense variant. On other transcripts: 5 prime UTR variant (1).
Genome position (GRCh38, 1-based): chr20:35,472,673, G>A. VCF-style: chr20-35472673-G-A. GRCh37 (hg19) VCF-style: chr20-34060498-G-A.
Other names: c.-849G>A (NM_001318219.1); c.1051G>A (NM_007186.3); short protein forms V351I.
Identifiers: ClinVar variation 1426872 (VCV001426872.6), dbSNP rs149721292, ClinGen allele CA9832812.
Genomic context (GRCh38, chr20:35,472,673, plus strand): 5'-CCCTCTATAGACTCTAGGCTTTGGTCAGTAGGGTGGTGACCTTGCTGTATTGGGTTTCAG[G>A]TCATGGTGGAAGAAGGGGACAATATAGCCCAAGGCTCTGGTCATGAGAACTCTTTGGAAT-3'
Protein context (NP_009117.2, residues 341-361): LQQVIKDITQ[Val351Ile]MVEEGDNIAQ